The following is an entry in ClinVar:

NM_000492.4(CFTR):c.1190dup (p.Thr398fs)

Gene: CFTR (CF transmembrane conductance regulator; plus strand). Cytogenetic location: 7q31.2.
Variant type: Duplication.
Coding change: c.1190dup on transcript NM_000492.4 (MANE Select); coding-DNA position 1190, one base duplicated (T; older notation c.1190dupT).
Protein change: p.Thr398fs; shifts the reading frame from threonine 398.
Molecular consequence: frameshift variant.
Genome position (GRCh38, 1-based): chr7:117,542,089, T duplicated. VCF-style (leftmost placement, unchanged base first): chr7-117542088-G-GT. GRCh37 (hg19) VCF-style: chr7-117182142-G-GT.
Other names: short protein forms T398fs.
Identifiers: ClinVar variation 2680702 (VCV002680702.2), dbSNP rs2485030497, ClinGen allele CA2695199634.

ClinVar aggregate classification (germline): Likely pathogenic. Review status: criteria provided, multiple submitters, no conflicts (2 of 4 stars). 2 submissions from 2 submitters: Likely pathogenic (2). Last evaluated 2026-01-29.

Conditions:
CFTR-related disorder (CFTR-RD). Also called: CFTR-related disorders; CFTR-related condition. Identifiers: MedGen C5924204, MONDO:7770004.
Bronchiectasis with or without elevated sweat chloride 1 (BESC1). Also called: Cystic Fibrosis-Like Syndrome. Identifiers: Orphanet 60033, MedGen C2749757, MONDO:0008887, OMIM 211400.

Submissions (2):

Natera, Inc.
Classification: Likely pathogenic for CFTR-related disorders. Last evaluated: 2026-01-29. Review status: criteria provided, single submitter. Criteria: Natera Variant Classification Schema (03/2026). Collection method: clinical testing. Allele origin: germline.
Comment: The c.1190dup variant in CFTR is a frameshift variant predicted to shift the reading frame beginning at codon 398 and leads to a stop codon 13 codons downstream. This variant is expected to result in nonsense mediated decay, truncation, or a dysfunctional protein product. This variant is rare in the general population with a frequency below the threshold expected for the associated phenotype(s). Given the available evidence, this variant is classified as Likely Pathogenic.

Baylor Genetics
Classification: Likely pathogenic for Bronchiectasis with or without elevated sweat chloride 1. Last evaluated: 2023-07-03. Review status: criteria provided, single submitter. Criteria: ACMG Guidelines, 2015. Collection method: clinical testing. Allele origin: unknown.